The following is an entry in ClinVar:

ClinVar aggregate classification (germline): Uncertain significance. Review status: criteria provided, multiple submitters, no conflicts (2 of 4 stars). 2 submissions from 2 submitters: Uncertain significance (2). Last evaluated 2023-12-13.

Conditions:
Hypercholesterolemia, autosomal dominant, 3 (FHCL3). Also called: Familial Hypercholesterolemia, Autosomal Dominant, 3; PCSK9-Related Familial Hypercholesterolemia, Autosomal Dominant; Familial hypercholesterolemia 3. Identifiers: MedGen C1863551, MONDO:0011369, OMIM 603776.
Familial hypercholesterolemia. Also called: Familial hypercholesterolemias; Familial hypercholesterolaemia. Identifiers: MedGen C0020445, MONDO:0005439.

Submissions (2):

All of Us Research Program, National Institutes of Health
Classification: Uncertain significance for Hypercholesterolemia, autosomal dominant, 3. Last evaluated: 2023-12-13. Review status: criteria provided, single submitter. Criteria: ACMG Guidelines, 2015. Collection method: clinical testing. Allele origin: germline. Inheritance: Autosomal dominant inheritance. Observed: 1 variant allele, 1 heterozygote.
Comment: Variant of Uncertain Significance due to insufficient evidence: This missense variant is located in the catalytic peptidase domain of the PCSK9 protein. Computational prediction tools and conservation analyses are inconclusive regarding the impact of this variant on the protein function. Computational splicing tools suggest that this variant may not impact the RNA splicing. To our knowledge, functional assays have not been performed for this variant nor has this variant been reported in individuals affected with familial hypercholesterolemia in the literature. This variant is rare in the general population and has been identified in 0/277264 chromosomes by the Genome Aggregation Database (gnomAD). Available evidence is insufficient to determine the pathogenicity of this variant conclusively.

This study involves interpretation of variants in research participants for the purpose of population health screening. Participant phenotype was not available at the time of variant classification. Additional details can be found in publication PMID: 35346344, PMCID: PMC8962531

Color Diagnostics, LLC DBA Color Health
Classification: Uncertain significance for Familial hypercholesterolemia. Last evaluated: 2023-11-15. Review status: criteria provided, single submitter. Criteria: ACMG Guidelines, 2015. Collection method: clinical testing. Allele origin: germline.
Comment: This missense variant replaces aspartic acid with valine at codon 238 of the PCSK9 protein. Computational prediction tools indicate that this variant's impact on protein structure and function is inconclusive. To our knowledge, functional studies have not been reported for this variant. This variant has not been reported in individuals affected with PCSK9-related disorders in the literature. This variant has not been identified in the general population by the Genome Aggregation Database (gnomAD). The available evidence is insufficient to determine the role of this variant in disease conclusively. Therefore, this variant is classified as a Variant of Uncertain Significance.

NM_174936.4(PCSK9):c.713A>T (p.Asp238Val)

Gene: PCSK9 (proprotein convertase subtilisin/kexin type 9; plus strand). Cytogenetic location: 1p32.3.
Variant type: single nucleotide variant.
Coding change: c.713A>T on transcript NM_174936.4 (MANE Select); coding-DNA position 713, A replaced by T.
Protein change: p.Asp238Val; replaces aspartic acid 238 with valine.
Molecular consequence: missense variant.
Genome position (GRCh38, 1-based): chr1:55,052,705, A>T. VCF-style: chr1-55052705-A-T. GRCh37 (hg19) VCF-style: chr1-55518378-A-T.
Other names: c.836A>T, p.Asp279Val (NM_001407240.1); c.713A>T, p.Asp238Val (NM_001407241.1, NM_001407244.1, NM_001407247.1); c.716A>T, p.Asp239Val (NM_001407242.1); c.656A>T, p.Asp219Val (NM_001407243.1); c.521A>T, p.Asp174Val (NM_001407245.1); c.338A>T, p.Asp113Val (NM_001407246.1); short protein forms D238V, D113V, D174V, D219V, D239V, D279V.
Identifiers: ClinVar variation 629193 (VCV000629193.6), dbSNP rs1557503867, ClinGen allele CA340473951.